The following is an entry in ClinVar:

ClinVar aggregate classification (germline): Likely pathogenic (1 of 4 stars; one submission).

Conditions:
Polycystic kidney disease, adult type (PKD1). Also called: Polycystic Kidney, Autosomal Dominant; POLYCYSTIC KIDNEY DISEASE, ADULT, TYPE I; Polycystic Kidney Disease 1, Autosomal Dominant; Polycystic kidney disease 1; Polycystic kidney disease 1, severe; POLYCYSTIC KIDNEY DISEASE 1 WITH OR WITHOUT POLYCYSTIC LIVER DISEASE. Identifiers: MedGen C3149841, MONDO:0008263, OMIM 173900.

Submission:

MVZ Medizinische Genetik Mainz
Classification: Likely pathogenic for Polycystic kidney disease, adult type. Last evaluated: 2026-01-28. Review status: criteria provided, single submitter. Criteria: UK Practice Guidelines For Variant Classification V4 01 2020. Collection method: clinical testing. Allele origin: germline. Inheritance: Autosomal dominant inheritance. Affected: yes. Observed: 1 variant allele.
Comment: ACMG Criteria: PS1,PM2_SUP,PP3,PP4

NM_001009944.3(PKD1):c.10618G>C (p.Gly3540Arg)

Genes: PKD1 (polycystin 1, transient receptor potential channel interacting; minus strand), PKD1-AS1 (PKD1 antisense RNA 1; plus strand). Cytogenetic location: 16p13.3.
Variant type: single nucleotide variant.
Coding change: c.10618G>C on transcript NM_001009944.3 (MANE Select); coding-DNA position 10618, G replaced by C.
Protein change: p.Gly3540Arg; replaces glycine 3540 with arginine.
Molecular consequence: missense variant.
Genome position (GRCh38, 1-based): chr16:2,094,092, C>G on the plus strand (G>C on the coding strand, the complement: PKD1 is on the minus strand). VCF-style: chr16-2094092-C-G. GRCh37 (hg19) VCF-style: chr16-2144093-C-G.
Other names: c.10615G>C, p.Gly3539Arg (NM_000296.4); short protein forms G3539R, G3540R.
Identifiers: ClinVar variation 4796770 (VCV004796770.1).